The following is an entry in ClinVar:

NM_152564.5(VPS13B):c.3225T>A (p.Ser1075=)

Gene: VPS13B (vacuolar protein sorting 13 homolog B; plus strand). Cytogenetic location: 8q22.2.
Variant type: single nucleotide variant.
Coding change: c.3225T>A on transcript NM_152564.5 (MANE Select); coding-DNA position 3225, T replaced by A.
Protein change: p.Ser1075=; no amino-acid change (serine 1075 retained).
Molecular consequence: synonymous variant.
Genome position (GRCh38, 1-based): chr8:99,442,415, T>A. VCF-style: chr8-99442415-T-A. GRCh37 (hg19) VCF-style: chr8-100454643-T-A.
Other names: c.3225T>A, p.Ser1075= (NM_017890.5).
Identifiers: ClinVar variation 4994049 (VCV004994049.1).

ClinVar aggregate classification (germline): Likely benign (1 of 4 stars; one submission).

Conditions:
VPS13B-related disorder. Also called: VPS13B-related condition.

Submission:

PreventionGenetics, part of Exact Sciences
Classification: Likely benign for VPS13B-related condition. Last evaluated: 2026-05-13. Review status: criteria provided, single submitter. Criteria: ACMG Guidelines, 2015. Collection method: clinical testing. Allele origin: germline.
Comment: This variant is classified as likely benign based on ACMG/AMP sequence variant interpretation guidelines (Richards et al. 2015 PMID: 25741868, with internal and published modifications).